The following is an entry in ClinVar:

ClinVar aggregate classification (germline): Uncertain significance (1 of 4 stars; one submission).

Conditions:
Hereditary cancer-predisposing syndrome. Also called: Tumor predisposition; Neoplastic Syndromes, Hereditary; Hereditary Cancer Syndrome; Hereditary neoplastic syndrome. Identifiers: Orphanet 140162, MedGen C0027672, MeSH D009386, MONDO:0015356.

Submission:

Ambry Genetics
Classification: Uncertain significance for Hereditary cancer-predisposing syndrome. Last evaluated: 2024-11-03. Review status: criteria provided, single submitter. Criteria: Ambry Variant Classification Scheme 2023. Collection method: clinical testing. Allele origin: germline.
Comment: The p.W366G variant (also known as c.1096T>G), located in coding exon 7 of the FLCN gene, results from a T to G substitution at nucleotide position 1096. The tryptophan at codon 366 is replaced by glycine, an amino acid with highly dissimilar properties. This amino acid position is conserved. In addition, this alteration is predicted to be deleterious by in silico analysis. Based on the available evidence, the clinical significance of this variant remains unclear.

NM_144997.7(FLCN):c.1096T>G (p.Trp366Gly)

Gene: FLCN (folliculin; minus strand). Cytogenetic location: 17p11.2.
Variant type: single nucleotide variant.
Coding change: c.1096T>G on transcript NM_144997.7 (MANE Select); coding-DNA position 1096, T replaced by G.
Protein change: p.Trp366Gly; replaces tryptophan 366 with glycine.
Molecular consequence: missense variant.
Genome position (GRCh38, 1-based): chr17:17,217,149, A>C on the plus strand (T>G on the coding strand, the complement: FLCN is on the minus strand). VCF-style: chr17-17217149-A-C. GRCh37 (hg19) VCF-style: chr17-17120463-A-C.
Other names: c.1150T>G, p.Trp384Gly (NM_001353229.2); c.1096T>G, p.Trp366Gly (NM_001353230.2, NM_001353231.2); short protein forms W384G, W366G.
Identifiers: ClinVar variation 3515664 (VCV003515664.1).